The following is an entry in ClinVar:

NM_020893.6(CCDC180):c.1503G>A (p.Lys501=)

Genes: CCDC180 (coiled-coil domain containing 180; plus strand), SUGT1P4-STRA6LP-CCDC180 (SUGT1P4-STRA6LP-CCDC180 readthrough; plus strand). Cytogenetic location: 9q22.33.
Variant type: single nucleotide variant.
Coding change: c.1503G>A on transcript NM_020893.6 (MANE Select); coding-DNA position 1503, G replaced by A.
Protein change: p.Lys501=; no amino-acid change (lysine 501 retained).
Molecular consequence: synonymous variant. On other transcripts: non-coding transcript variant (3).
Genome position (GRCh38, 1-based): chr9:97,325,150, G>A. VCF-style: chr9-97325150-G-A. GRCh37 (hg19) VCF-style: chr9-100087432-G-A.
Other names: c.1494G>A, p.Lys498= (NM_001348010.4).
Identifiers: ClinVar variation 2659331 (VCV002659331.24), dbSNP rs145203696, ClinGen allele CA5145323.
Genomic context (GRCh38, chr9:97,325,150, plus strand): 5'-GGTACAACTGTGGGAGGCACACCAGAGCGAGCTGTTGGTGCAGGAGCTGGAGCTGGAGAA[G>A]AGGATGGAGCAGCACCGGCAGAAGCACAGCCTGGAGAGCCAGGTGAGACCCACACCCGGG-3'
Protein context (NP_065944.3, residues 491-511): ELLVQELELE[Lys501=]RMEQHRQKHS

ClinVar aggregate classification (germline): Likely benign (1 of 4 stars; one submission).

Allele frequency attached by ClinVar (database versions not stated): gnomAD 0.00073; ExAC 0.00076; ESP Exome Variant Server 0.00077; TOPMed 0.00091; gnomAD exomes 0.00110.
gnomAD v4.1: 1,742 of 1,610,676 alleles (0.11%); highest among the groups gnomAD compares: Admixed American, 0.13%; 2 homozygotes.

Submission:

CeGaT Center for Human Genetics Tuebingen
Classification: Likely benign. Last evaluated: 2022-11-01. Review status: criteria provided, single submitter. Criteria: CeGaT Center For Human Genetics Tuebingen Variant Classification Criteria Version 2. Collection method: clinical testing. Allele origin: germline. Affected: yes. Observed: 1 variant allele.
Comment: CCDC180: BP4, BP7